The following is an entry in ClinVar:

ClinVar aggregate classification (germline): Benign. Review status: criteria provided, multiple submitters, no conflicts (2 of 4 stars). 2 submissions from 2 submitters: Benign (2). Last evaluated 2018-06-18.

Allele frequency attached by ClinVar (database versions not stated): TOPMed 0.69162; gnomAD 0.69620 and 0.70827; 1000 Genomes Project 30x 0.73329; 1000 Genomes Project 0.74521; gnomAD exomes 0.80372.
gnomAD v4.1: 366,070 of 474,230 alleles (77%); highest among the groups gnomAD compares: East Asian, 99%; 145,206 homozygotes.

Submissions (2):

GeneDx
Classification: Benign. Last evaluated: 2018-06-18. Review status: criteria provided, single submitter. Criteria: GeneDx Variant Classification (06012015). Collection method: clinical testing. Allele origin: germline. Affected: yes.
Comment: This variant is considered likely benign or benign based on one or more of the following criteria: it is a conservative change, it occurs at a poorly conserved position in the protein, it is predicted to be benign by multiple in silico algorithms, and/or has population frequency not consistent with disease.

Breakthrough Genomics
Classification: Benign. Review status: criteria provided, single submitter. Criteria: ACMG Guidelines, 2015. Collection method: not provided. Allele origin: germline. Inheritance: Autosomal dominant inheritance. Affected: yes.

NM_000088.4(COL1A1):c.472-297G>A

Gene: COL1A1 (collagen type I alpha 1 chain; minus strand). Cytogenetic location: 17q21.33.
Variant type: single nucleotide variant.
Coding change: c.472-297G>A on transcript NM_000088.4 (MANE Select); 297 bases into the intron before coding-DNA position 472, G replaced by A.
Molecular consequence: intron variant.
Genome position (GRCh38, 1-based): chr17:50,198,801, C>T on the plus strand (G>A on the coding strand, the complement: COL1A1 is on the minus strand). VCF-style: chr17-50198801-C-T. GRCh37 (hg19) VCF-style: chr17-48276162-C-T.
Identifiers: ClinVar variation 683350 (VCV000683350.2), dbSNP rs2586497, ClinGen allele CA14456332.